The following is an entry in ClinVar:

NM_004656.4(BAP1):c.1852C>T (p.Pro618Ser)

Gene: BAP1 (BRCA1 associated deubiquitinase 1; minus strand). Cytogenetic location: 3p21.1.
Variant type: single nucleotide variant.
Coding change: c.1852C>T on transcript NM_004656.4 (MANE Select); coding-DNA position 1852, C replaced by T.
Protein change: p.Pro618Ser; replaces proline 618 with serine.
Molecular consequence: missense variant.
Genome position (GRCh38, 1-based): chr3:52,403,176, G>A on the plus strand (C>T on the coding strand, the complement: BAP1 is on the minus strand). VCF-style: chr3-52403176-G-A. GRCh37 (hg19) VCF-style: chr3-52437192-G-A.
Other names: c.1798C>T, p.Pro600Ser (NM_001410772.1); short protein forms P600S, P618S.
Identifiers: ClinVar variation 1781353 (VCV001781353.6), dbSNP rs1060503728, ClinGen allele CA353098173.

ClinVar aggregate classification (germline): Conflicting classifications of pathogenicity. Review status: criteria provided, conflicting classifications (1 of 4 stars). 2 submissions from 2 submitters: Uncertain significance (1); Likely benign (1). Last evaluated 2025-09-16.

Conditions:
Hereditary cancer-predisposing syndrome. Also called: Neoplastic Syndromes, Hereditary; Tumor predisposition; Hereditary Cancer Syndrome; Hereditary neoplastic syndrome. Identifiers: Orphanet 140162, MedGen C0027672, MeSH D009386, MONDO:0015356.
BAP1-related tumor predisposition syndrome (TPDS1). Also called: Tumor susceptibility linked to germline BAP1 mutations; BAP1 tumor predisposition syndrome; COMMON Syndrome; TUMOR PREDISPOSITION SYNDROME 1. Identifiers: Orphanet 289539, MedGen C3280492, MONDO:0013692, OMIM 614327.

Allele frequency attached by ClinVar (database versions not stated): TOPMed below 0.00001; gnomAD 0.00001.

Submissions (2):

Labcorp Genetics (formerly Invitae), Labcorp
Classification: Uncertain significance for BAP1-related tumor predisposition syndrome. Last evaluated: 2025-09-16. Review status: criteria provided, single submitter. Criteria: Invitae Variant Classification Sherloc (09022015). Collection method: clinical testing. Allele origin: germline.
Comment: This sequence change replaces proline, which is neutral and non-polar, with serine, which is neutral and polar, at codon 618 of the BAP1 protein (p.Pro618Ser). This variant is not present in population databases (gnomAD no frequency). This variant has not been reported in the literature in individuals affected with BAP1-related conditions. ClinVar contains an entry for this variant (Variation ID: 1781353). Invitae Evidence Modeling of protein sequence and biophysical properties (such as structural, functional, and spatial information, amino acid conservation, physicochemical variation, residue mobility, and thermodynamic stability) indicates that this missense variant is not expected to disrupt BAP1 protein function with a negative predictive value of 80%. In summary, the available evidence is currently insufficient to determine the role of this variant in disease. Therefore, it has been classified as a Variant of Uncertain Significance.

Ambry Genetics
Classification: Likely benign for Hereditary cancer-predisposing syndrome. Last evaluated: 2025-01-20. Review status: criteria provided, single submitter. Criteria: Ambry Variant Classification Scheme 2023. Collection method: clinical testing. Allele origin: germline.